The following is an entry in ClinVar:

NM_006892.4(DNMT3B):c.754C>T (p.Arg252Ter)

Gene: DNMT3B (DNA methyltransferase 3 beta; plus strand). Cytogenetic location: 20q11.21.
Variant type: single nucleotide variant.
Coding change: c.754C>T on transcript NM_006892.4 (MANE Select); coding-DNA position 754, C replaced by T.
Protein change: p.Arg252Ter; replaces arginine 252 with a stop codon.
Molecular consequence: nonsense.
Genome position (GRCh38, 1-based): chr20:32,788,953, C>T. VCF-style: chr20-32788953-C-T. GRCh37 (hg19) VCF-style: chr20-31376759-C-T.
Other names: c.628C>T, p.Arg210Ter (NM_001207055.2, NM_001424352.1, NM_001424354.1 and 3 more transcripts); c.526C>T, p.Arg176Ter (NM_001207056.2); c.754C>T, p.Arg252Ter (NM_001424351.1, NM_001424353.1, NM_001424355.1 and 2 more transcripts); c.790C>T, p.Arg264Ter (NM_001424359.1, NM_175850.3); c.664C>T, p.Arg222Ter (NM_001424360.1); short protein forms R210*, R264*, R176*, R222*, R252*.
Identifiers: ClinVar variation 2967369 (VCV002967369.3), dbSNP rs2515536377, ClinGen allele CA408588128.

ClinVar aggregate classification (germline): Pathogenic (1 of 4 stars; one submission).

Conditions:
Centromeric instability of chromosomes 1,9 and 16 and immunodeficiency (ICF1). Also called: IMMUNE DEFICIENCY, VARIABLE, WITH CENTROMERIC INSTABILITY OF CHROMOSOMES 1, 9, AND 16; IMMUNODEFICIENCY SYNDROME, VARIABLE; Immunodeficiency-centromeric instability-facial anomalies; CENTROMERIC INSTABILITY, IMMUNODEFICIENCY SYNDROME. Identifiers: Orphanet 2268, MedGen C0398788, MONDO:0000133.

Allele frequency attached by ClinVar (database versions not stated): gnomAD exomes below 0.00001.
gnomAD v4.1: 2 of 1,614,126 alleles (0.00012%); highest among the groups gnomAD compares: Non-Finnish European, 0.00017%; no homozygotes.

Submission:

Labcorp Genetics (formerly Invitae), Labcorp
Classification: Pathogenic for Centromeric instability of chromosomes 1,9 and 16 and immunodeficiency. Last evaluated: 2023-12-14. Review status: criteria provided, single submitter. Criteria: Invitae Variant Classification Sherloc (09022015). Collection method: clinical testing. Allele origin: germline.
Comment: This sequence change creates a premature translational stop signal (p.Arg252*) in the DNMT3B gene. It is expected to result in an absent or disrupted protein product. Loss-of-function variants in DNMT3B are known to be pathogenic (PMID: 11102980). This variant is not present in population databases (gnomAD no frequency). This variant has not been reported in the literature in individuals affected with DNMT3B-related conditions. Algorithms developed to predict the effect of sequence changes on RNA splicing suggest that this variant may disrupt the consensus splice site. For these reasons, this variant has been classified as Pathogenic.

Literature cited by the submitters: PubMed 11102980.